The following is an entry in ClinVar:

NM_003919.3(SGCE):c.421_423dup (p.Thr141dup)

Genes: CASD1 (CAS1 domain sialic acid O acetyltransferase 1; plus strand), SGCE (sarcoglycan epsilon; minus strand). Cytogenetic location: 7q21.3.
Variant type: Duplication.
Coding change: c.421_423dup on transcript NM_003919.3 (MANE Select); coding-DNA positions 421 to 423, 3 bases duplicated (ACT; older notation c.421_423dupACT).
Protein change: p.Thr141dup; duplicates threonine 141.
Molecular consequence: inframe insertion.
Genome position (GRCh38, 1-based): chr7:94,623,365-94,623,367, AGT duplicated on the plus strand (ACT on the coding strand, the reverse complement: SGCE is on the minus strand). VCF-style (leftmost placement, unchanged base first): chr7-94623364-C-CAGT. GRCh37 (hg19) VCF-style: chr7-94252676-C-CAGT.
Other names: c.421_423dup, p.Thr141dup (NM_001099400.2, NM_001099401.2, NM_001346717.2); c.298_300dup, p.Thr100dup (NM_001301139.2, NM_001362809.2); c.529_531dup, p.Thr177dup (NM_001346713.2, NM_001346715.2); c.334_336dup, p.Thr112dup (NM_001346719.2, NM_001362807.2); c.148_150dup, p.Thr50dup (NM_001346720.2, NM_001362808.2).
Identifiers: ClinVar variation 953475 (VCV000953475.6), dbSNP rs539327067, ClinGen allele CA4348807.
Genomic context (GRCh38, chr7:94,623,364, plus strand): 5'-TCAACATATTTTCATACCTACCTTCTGCAGACATTATATTAATTATCAAATTATGCCTTG[C>CAGT]AGTCTCAAAGGTGCGCCTGTTGTAGGCAGTTATCTATTATAAAAGGAAAACCATATTAAA-3'

ClinVar aggregate classification (germline): Uncertain significance (1 of 4 stars; one submission).

Conditions:
Myoclonic dystonia 11 (DYT11). Also called: Dystonia, alcohol responsive; Hereditary essential myoclonus; SGCE Myoclonus-Dystonia; Myoclonus-Dystonia; DYT-SGCE; Myoclonic dystonia. Identifiers: Orphanet 36899, MedGen C1834570, MONDO:0008044, OMIM 159900.

Allele frequency attached by ClinVar (database versions not stated): TOPMed 0.00001; ExAC 0.00002; gnomAD 0.00002 and 0.00005; gnomAD exomes 0.00002 and 0.00001; 1000 Genomes Project 0.00060; 1000 Genomes Project 30x 0.00078.

Submission:

Labcorp Genetics (formerly Invitae), Labcorp
Classification: Uncertain significance for Myoclonic dystonia 11. Last evaluated: 2025-05-04. Review status: criteria provided, single submitter. Criteria: Invitae Variant Classification Sherloc (09022015). Collection method: clinical testing. Allele origin: germline.
Comment: This variant, c.421_423dup, results in the insertion of 1 amino acid(s) of the SGCE protein (p.Thr141dup), but otherwise preserves the integrity of the reading frame. This variant is present in population databases (rs539327067, gnomAD 0.009%). This variant has not been reported in the literature in individuals affected with SGCE-related conditions. ClinVar contains an entry for this variant (Variation ID: 953475). Experimental studies and prediction algorithms are not available or were not evaluated, and the functional significance of this variant is currently unknown. In summary, the available evidence is currently insufficient to determine the role of this variant in disease. Therefore, it has been classified as a Variant of Uncertain Significance.